The following is an entry in ClinVar:

ClinVar aggregate classification (germline): Uncertain significance (1 of 4 stars; one submission).

Conditions:
Cornelia de Lange syndrome 1 (CDLS1). Also called: Brachmann de Lange syndrome; NIPBL-Related Cornelia de Lange Syndrome; TYPUS DEGENERATIVUS AMSTELODAMENSIS. Identifiers: Orphanet 199, MedGen C4551851, MONDO:0007387, OMIM 122470.

Submission:

Labcorp Genetics (formerly Invitae), Labcorp
Classification: Uncertain significance for Cornelia de Lange syndrome 1. Last evaluated: 2024-07-01. Review status: criteria provided, single submitter. Criteria: Invitae Variant Classification Sherloc (09022015). Collection method: clinical testing. Allele origin: germline.
Comment: This sequence change replaces isoleucine, which is neutral and non-polar, with methionine, which is neutral and non-polar, at codon 2543 of the NIPBL protein (p.Ile2543Met). This variant is not present in population databases (gnomAD no frequency). This variant has not been reported in the literature in individuals affected with NIPBL-related conditions. Advanced modeling of protein sequence and biophysical properties (such as structural, functional, and spatial information, amino acid conservation, physicochemical variation, residue mobility, and thermodynamic stability) has been performed at Invitae for this missense variant, however the output from this modeling did not meet the statistical confidence thresholds required to predict the impact of this variant on NIPBL protein function. Algorithms developed to predict the effect of sequence changes on RNA splicing suggest that this variant may disrupt the consensus splice site. In summary, the available evidence is currently insufficient to determine the role of this variant in disease. Therefore, it has been classified as a Variant of Uncertain Significance.

NM_133433.4(NIPBL):c.7629T>G (p.Ile2543Met)

Gene: NIPBL (NIPBL cohesin loading factor; plus strand). Cytogenetic location: 5p13.2.
Variant type: single nucleotide variant.
Coding change: c.7629T>G on transcript NM_133433.4 (MANE Select); coding-DNA position 7629, T replaced by G.
Protein change: p.Ile2543Met; replaces isoleucine 2543 with methionine.
Molecular consequence: missense variant.
Genome position (GRCh38, 1-based): chr5:37,059,109, T>G. VCF-style: chr5-37059109-T-G. GRCh37 (hg19) VCF-style: chr5-37059211-T-G.
Other names: c.7629T>G, p.Ile2543Met (NM_015384.5); short protein forms I2543M.
Identifiers: ClinVar variation 3635361 (VCV003635361.2).